The following is an entry in ClinVar:

NM_001330701.2(AGTPBP1):c.3616dup (p.Tyr1206fs)

Gene: AGTPBP1 (ATP/GTP binding carboxypeptidase 1; minus strand). Cytogenetic location: 9q21.33.
Variant type: Duplication.
Coding change: c.3616dup on transcript NM_001330701.2 (MANE Select); coding-DNA position 3616, one base duplicated (T; older notation c.3616dupT).
Protein change: p.Tyr1206fs; shifts the reading frame from tyrosine 1206.
Molecular consequence: frameshift variant.
Genome position (GRCh38, 1-based): chr9:85,547,174, A duplicated on the plus strand (T on the coding strand, the reverse complement: AGTPBP1 is on the minus strand); the first of 2 consecutive A bases (chr9:85,547,174-85,547,175); duplicating either gives the same sequence. VCF-style (leftmost placement, unchanged base first): chr9-85547173-T-TA. GRCh37 (hg19) VCF-style: chr9-88162088-T-TA.
Other names: c.3772dup, p.Tyr1258fs (NM_001286715.1); c.3652dup, p.Tyr1218fs (NM_001286717.1); c.3496dup, p.Tyr1166fs (NM_015239.3); short protein forms Y1166fs, Y1206fs, Y1218fs, Y1258fs.
Identifiers: ClinVar variation 3767819 (VCV003767819.1).

ClinVar aggregate classification (germline): Uncertain significance (1 of 4 stars; one submission).

Submission:

GeneDx
Classification: Uncertain significance. Last evaluated: 2024-09-03. Review status: criteria provided, single submitter. Criteria: GeneDx Variant Classification Process June 2021. Collection method: clinical testing. Allele origin: germline. Affected: yes.
Comment: Frameshift variant predicted to result in abnormal protein length as the last 21 amino acids are replaced with 1 different amino acid; Not observed at significant frequency in large population cohorts (gnomAD); Has not been previously published as pathogenic or benign to our knowledge